The following is an entry in ClinVar:

NM_000080.4(CHRNE):c.602-4_602-3delinsTT

Genes: C17orf107 (chromosome 17 open reading frame 107; plus strand), CHRNE (cholinergic receptor nicotinic epsilon subunit; minus strand). Cytogenetic location: 17p13.2.
Variant type: Indel.
Coding change: c.602-4_602-3delinsTT on transcript NM_000080.4 (MANE Select); 4 bases into the intron before coding-DNA position 602 through 3 bases into the intron before coding-DNA position 602, GC replaced by TT.
Molecular consequence: intron variant. On other transcripts: 3 prime UTR variant (1).
Genome position (GRCh38, 1-based): chr17:4,901,193-4,901,194, GC replaced by AA on the plus strand (GC replaced by TT on the coding strand, the reverse complement: CHRNE is on the minus strand). VCF-style: chr17-4901193-GC-AA. GRCh37 (hg19) VCF-style: chr17-4804488-GC-AA.
Other names: c.*660_*661delinsAA (NM_001145536.2).
Identifiers: ClinVar variation 647593 (VCV000647593.8), dbSNP rs1597619689, ClinGen allele CA915949473.
Genomic context (GRCh38, chr17:4,901,193, plus strand): 5'-CCACCGTGGTGGCGGCGGATCACCCCCGGGCAGAAGTCGATGGCCCACTCGCCGTTCTCT[GC>AA]GGGACGGGGGCACGGTCAGCTGGCTGTCAGAGCGGGGCGCCCGCCGAGCTGACAGCGGGC-3'

ClinVar aggregate classification (germline): Uncertain significance. Review status: criteria provided, multiple submitters, no conflicts (2 of 4 stars). 2 submissions from 2 submitters: Uncertain significance (2). Last evaluated 2024-05-23.

Conditions:
Congenital myasthenic syndrome 4A. Also called: Myasthenic syndrome, congenital, 4a, slow-channel; CONGENITAL MYASTHENIC SYNDROME TYPE Ia1; MYASTHENIC SYNDROME, CONGENITAL, 4A, SLOW-CHANNEL, AUTOSOMAL RECESSIVE. Identifiers: Orphanet 590, MedGen C4225413, MONDO:0011600, OMIM 605809.
Congenital myasthenic syndrome 4B. Also called: Myasthenic syndrome, congenital, 4b, fast-channel. Identifiers: Orphanet 590, MedGen C4225369, MONDO:0014586, OMIM 616324.
Congenital myasthenic syndrome 4C (CMS4C). Also called: Myasthenic syndrome, congenital, associated with acetylcholine receptor deficiency. Identifiers: Orphanet 590, MedGen C1837091, MONDO:0012157, OMIM 608931.

Submissions (2):

Labcorp Genetics (formerly Invitae), Labcorp
Classification: Uncertain significance for Congenital myasthenic syndrome 4A. Last evaluated: 2024-05-23. Review status: criteria provided, single submitter. Criteria: Invitae Variant Classification Sherloc (09022015). Collection method: clinical testing. Allele origin: germline.
Comment: This sequence change falls in intron 6 of the CHRNE gene. It does not directly change the encoded amino acid sequence of the CHRNE protein. It affects a nucleotide within the consensus splice site. Information on the frequency of this variant in the gnomAD database is not available, as this variant may be reported differently in the database. This variant has not been reported in the literature in individuals affected with CHRNE-related conditions. ClinVar contains an entry for this variant (Variation ID: 647593). Variants that disrupt the consensus splice site are a relatively common cause of aberrant splicing (PMID: 17576681, 9536098). In summary, the available evidence is currently insufficient to determine the role of this variant in disease. Therefore, it has been classified as a Variant of Uncertain Significance.

Fulgent Genetics
Classification: Uncertain significance for Congenital myasthenic syndrome 4A; Congenital myasthenic syndrome 4C; Congenital myasthenic syndrome 4B. Last evaluated: 2021-11-18. Review status: criteria provided, single submitter. Criteria: ACMG Guidelines, 2015. Collection method: clinical testing. Allele origin: unknown.

Literature cited by the submitters: PubMed 17576681 (cited by Labcorp Genetics (formerly Invitae), Labcorp); PubMed 9536098 (cited by Labcorp Genetics (formerly Invitae), Labcorp).